The following is an entry in ClinVar:

NM_001130987.2(DYSF):c.3111C>T (p.Pro1037=)

Gene: DYSF (dysferlin; plus strand). Cytogenetic location: 2p13.2.
Variant type: single nucleotide variant.
Coding change: c.3111C>T on transcript NM_001130987.2 (MANE Select); coding-DNA position 3111, C replaced by T.
Protein change: p.Pro1037=; no amino-acid change (proline 1037 retained).
Molecular consequence: synonymous variant.
Genome position (GRCh38, 1-based): chr2:71,570,624, C>T. VCF-style: chr2-71570624-C-T. GRCh37 (hg19) VCF-style: chr2-71797754-C-T.
Other names: c.3060C>T, p.Pro1020= (NM_001130455.2, NM_001130983.2); c.3015C>T, p.Pro1005= (NM_001130976.2, NM_001130977.2); c.3057C>T, p.Pro1019= (NM_001130978.2, NM_003494.4); c.3150C>T, p.Pro1050= (NM_001130979.2); c.3108C>T, p.Pro1036= (NM_001130980.2, NM_001130981.2); c.3153C>T, p.Pro1051= (NM_001130982.2); c.3018C>T, p.Pro1006= (NM_001130984.2, NM_001130986.2); c.3111C>T, p.Pro1037= (NM_001130985.2).
Identifiers: ClinVar variation 281683 (VCV000281683.64), dbSNP rs143475751, ClinGen allele CA1706430.

ClinVar aggregate classification (germline): Conflicting classifications of pathogenicity. Review status: criteria provided, conflicting classifications (1 of 4 stars). 7 submissions from 7 submitters: Uncertain significance (1); Benign (2); Likely benign (3). 1 of the submissions does not count toward it. Last evaluated 2026-02-04.

Conditions:
Neuromuscular disease caused by qualitative or quantitative defects of dysferlin. Also called: Dysferlinopathy; Qualitative or quantitative defects of dysferlin. Identifiers: Orphanet 207073, MedGen C2931687, MONDO:0016145.
Autosomal recessive limb-girdle muscular dystrophy type 2B (LGMDR2). Also called: MUSCULAR DYSTROPHY, LIMB-GIRDLE, TYPE 3; Limb-Girdle Muscular Dystrophy Type 2B (LGMD2B); Limb-girdle muscular dystrophy, type 2B; MUSCULAR DYSTROPHY, LIMB-GIRDLE, AUTOSOMAL RECESSIVE 2. Identifiers: Orphanet 268, MedGen C1850889, MONDO:0009676, OMIM 253601.

Allele frequency attached by ClinVar (database versions not stated): 1000 Genomes Project 0.00040; 1000 Genomes Project 30x 0.00047; gnomAD 0.00052 and 0.00055; TOPMed 0.00066; ESP Exome Variant Server 0.00069; ExAC 0.00088; gnomAD exomes 0.00090.
gnomAD v4.1: 777 of 1,614,070 alleles (0.048%); highest among the groups gnomAD compares: Middle Eastern, 0.13%; 4 homozygotes.

Submissions (7):

Labcorp Genetics (formerly Invitae), Labcorp
Classification: Benign for Neuromuscular disease caused by qualitative or quantitative defects of dysferlin. Last evaluated: 2026-02-04. Review status: criteria provided, single submitter. Criteria: Invitae Variant Classification Sherloc (09022015). Collection method: clinical testing. Allele origin: germline.

Blueprint Genetics
Classification: Likely benign. Last evaluated: 2024-10-31. Review status: criteria provided, single submitter. Criteria: ACMG Guidelines, 2015. Collection method: clinical testing. Allele origin: germline.

CeGaT Center for Human Genetics Tuebingen
Classification: Likely benign. Last evaluated: 2023-04-01. Review status: criteria provided, single submitter. Criteria: CeGaT Center For Human Genetics Tuebingen Variant Classification Criteria Version 2. Collection method: clinical testing. Allele origin: germline. Affected: yes. Observed: 4 variant alleles.
Comment: DYSF: BP4, BP7

GeneDx
Classification: Benign. Last evaluated: 2019-10-01. Review status: criteria provided, single submitter. Criteria: GeneDx Variant Classification Process June 2021. Collection method: clinical testing. Allele origin: germline. Affected: yes.

Eurofins Ntd Llc (ga)
Classification: Likely benign. Last evaluated: 2018-07-19. Review status: criteria provided, single submitter. Criteria: EGL ClinVar v180209 classification definitions. Collection method: clinical testing. Allele origin: germline. Observed: 5 variant alleles, 5 heterozygotes.

Illumina Laboratory Services, Illumina
Classification: Uncertain significance for Qualitative or quantitative defects of dysferlin. Last evaluated: 2018-01-12. Review status: criteria provided, single submitter. Criteria: ICSL Variant Classification Criteria 13 December 2019. Collection method: clinical testing. Allele origin: germline.

Natera, Inc.
Classification: Benign for Limb-girdle muscular dystrophy type 2B. Last evaluated: 2020-09-16. Review status: no assertion criteria provided. Collection method: clinical testing. Allele origin: germline. Not counted in ClinVar's aggregate classification.